The following is an entry in ClinVar:

ClinVar aggregate classification (germline): Uncertain significance (1 of 4 stars; one submission).

Conditions:
Dilated cardiomyopathy 1G (CMD1G). Identifiers: Orphanet 154, MedGen C1858763, MONDO:0011400, OMIM 604145.
Autosomal recessive limb-girdle muscular dystrophy type 2J (LGMDR10). Also called: MUSCULAR DYSTROPHY, LIMB-GIRDLE, AUTOSOMAL RECESSIVE 10; Limb-girdle muscular dystrophy, type 2J. Identifiers: Orphanet 140922, MedGen C1837342, MONDO:0012127, OMIM 608807.

gnomAD v4.1: 1 of 1,613,598 alleles (0.000062%); highest among the groups gnomAD compares: South Asian, 0.0011%; no homozygotes.

Submission:

Labcorp Genetics (formerly Invitae), Labcorp
Classification: Uncertain significance for Dilated cardiomyopathy 1G; Autosomal recessive limb-girdle muscular dystrophy type 2J. Last evaluated: 2023-01-06. Review status: criteria provided, single submitter. Criteria: Invitae Variant Classification Sherloc (09022015). Collection method: clinical testing. Allele origin: germline.
Comment: This variant is located in the M band of TTN (PMID: 25589632). Variants in this region may be relevant for neuromuscular disorders, but have not been definitively shown to cause cardiomyopathy (PMID: 23975875). Experimental studies and prediction algorithms are not available or were not evaluated, and the functional significance of this variant is currently unknown. This variant has not been reported in the literature in individuals affected with TTN-related conditions. This variant is not present in population databases (gnomAD no frequency). This sequence change replaces arginine, which is basic and polar, with serine, which is neutral and polar, at codon 33827 of the TTN protein (p.Arg33827Ser). In summary, the available evidence is currently insufficient to determine the role of this variant in disease. Therefore, it has been classified as a Variant of Uncertain Significance.

Literature cited by the submitters: PubMed 25589632; PubMed 23975875.

NM_001267550.2(TTN):c.101479C>A (p.Arg33827Ser)

Genes: TTN (titin; minus strand), TTN-AS1 (TTN antisense RNA 1; plus strand). Cytogenetic location: 2q31.2.
Variant type: single nucleotide variant.
Coding change: c.101479C>A on transcript NM_001267550.2 (MANE Select); coding-DNA position 101479, C replaced by A.
Protein change: p.Arg33827Ser; replaces arginine 33827 with serine.
Molecular consequence: missense variant.
Genome position (GRCh38, 1-based): chr2:178,535,136, G>T on the plus strand (C>A on the coding strand, the complement: TTN is on the minus strand). VCF-style: chr2-178535136-G-T. GRCh37 (hg19) VCF-style: chr2-179399863-G-T.
Other names: c.96556C>A, p.Arg32186Ser (NM_001256850.1); c.74284C>A, p.Arg24762Ser (NM_003319.4); c.93775C>A, p.Arg31259Ser (NM_133378.4); c.74659C>A, p.Arg24887Ser (NM_133432.3); c.74860C>A, p.Arg24954Ser (NM_133437.4); short protein forms R24762S, R24887S, R24954S, R31259S, R32186S, R33827S.
Identifiers: ClinVar variation 2942963 (VCV002942963.3), dbSNP rs372067498, ClinGen allele CA349420619.